The following is an entry in ClinVar:

ClinVar aggregate classification (germline): Uncertain significance (1 of 4 stars; one submission).

Conditions:
Hereditary breast ovarian cancer syndrome. Also called: Hereditary breast and ovarian cancer syndrome (HBOC); BRCA1- and BRCA2-Associated Hereditary Breast and Ovarian Cancer; Hereditary breast and/or ovarian cancer syndrome; Hereditary breast and ovarian cancer; Breast and ovarian cancer; Hereditary breast and ovarian cancer syndrome. Identifiers: Orphanet 145, MedGen C0677776, MeSH D061325, MONDO:0003582. Disease mechanism: loss of function.

Submission:

Labcorp Genetics (formerly Invitae), Labcorp
Classification: Uncertain significance for Hereditary breast ovarian cancer syndrome. Last evaluated: 2025-09-30. Review status: criteria provided, single submitter. Criteria: Invitae Variant Classification Sherloc (09022015). Collection method: clinical testing. Allele origin: germline.
Comment: This sequence change falls in intron 10 of the BRCA2 gene. It does not directly change the encoded amino acid sequence of the BRCA2 protein. It affects a nucleotide within the consensus splice site. This variant is not present in population databases (gnomAD no frequency). This variant has not been reported in the literature in individuals affected with BRCA2-related conditions. ClinVar contains an entry for this variant (Variation ID: 3672053). Variants that disrupt the consensus splice site are a relatively common cause of aberrant splicing (PMID: 17576681, 9536098). Algorithms developed to predict the effect of sequence changes on RNA splicing suggest that this variant is not likely to affect RNA splicing. In summary, the available evidence is currently insufficient to determine the role of this variant in disease. Therefore, it has been classified as a Variant of Uncertain Significance.

Literature cited by the submitters: PubMed 17576681; PubMed 9536098.

NM_000059.4(BRCA2):c.1909+6T>G

Gene: BRCA2 (BRCA2 DNA repair associated; plus strand). Cytogenetic location: 13q13.1.
Variant type: single nucleotide variant.
Coding change: c.1909+6T>G on transcript NM_000059.4 (MANE Select); 6 bases into the intron after coding-DNA position 1909, T replaced by G.
Molecular consequence: intron variant.
Genome position (GRCh38, 1-based): chr13:32,333,393, T>G. VCF-style: chr13-32333393-T-G. GRCh37 (hg19) VCF-style: chr13-32907530-T-G.
Other names: c.1909+6T>G (NM_001432077.1, NM_001406720.1, NM_001406719.1 and 1 more transcripts); c.424+2363T>G (NM_001406722.1).
Identifiers: ClinVar variation 3672053 (VCV003672053.2).